The following is an entry in ClinVar:

ClinVar aggregate classification (germline): Likely benign (1 of 4 stars; one submission).

gnomAD v4.1: 1 of 1,614,104 alleles (0.000062%); highest among the groups gnomAD compares: Non-Finnish European, 0.000085%; no homozygotes.

Submission:

CeGaT Center for Human Genetics Tuebingen
Classification: Likely benign. Last evaluated: 2026-03-01. Review status: criteria provided, single submitter. Criteria: CeGaT Center For Human Genetics Tuebingen Variant Classification Criteria Version 2. Collection method: clinical testing. Allele origin: germline. Affected: yes. Observed: 1 variant allele.
Comment: KMT2C: BP4, BP7

NM_170606.3(KMT2C):c.1989G>A (p.Gln663=)

Gene: KMT2C (lysine methyltransferase 2C; minus strand). Cytogenetic location: 7q36.1.
Variant type: single nucleotide variant.
Coding change: c.1989G>A on transcript NM_170606.3 (MANE Select); coding-DNA position 1989, G replaced by A.
Protein change: p.Gln663=; no amino-acid change (glutamine 663 retained).
Molecular consequence: synonymous variant.
Genome position (GRCh38, 1-based): chr7:152,248,445, C>T on the plus strand (G>A on the coding strand, the complement: KMT2C is on the minus strand). VCF-style: chr7-152248445-C-T. GRCh37 (hg19) VCF-style: chr7-151945530-C-T.
Identifiers: ClinVar variation 4823692 (VCV004823692.4).